The following is an entry in ClinVar:

ClinVar aggregate classification (germline): Uncertain significance. Review status: criteria provided, multiple submitters, no conflicts (2 of 4 stars). 3 submissions from 3 submitters: Uncertain significance (3). Last evaluated 2023-12-18.

Conditions:
Intellectual developmental disorder, autosomal recessive 13. Also called: Intellectual disability, autosomal recessive 13. Identifiers: Orphanet 88616, MedGen C2750791, MONDO:0013173, OMIM 613192.

Allele frequency attached by ClinVar (database versions not stated): gnomAD exomes 0.00001; TOPMed 0.00001; gnomAD 0.00001.
gnomAD v4.1: 18 of 1,604,528 alleles (0.0011%); highest among the groups gnomAD compares: Non-Finnish European, 0.0014%; no homozygotes.

Submissions (3):

Labcorp Genetics (formerly Invitae), Labcorp
Classification: Uncertain significance. Last evaluated: 2023-12-18. Review status: criteria provided, single submitter. Criteria: Invitae Variant Classification Sherloc (09022015). Collection method: clinical testing. Allele origin: germline.
Comment: This sequence change replaces histidine, which is basic and polar, with tyrosine, which is neutral and polar, at codon 1171 of the TRAPPC9 protein (p.His1171Tyr). This variant is present in population databases (no rsID available, gnomAD 0.002%). This variant has not been reported in the literature in individuals affected with TRAPPC9-related conditions. ClinVar contains an entry for this variant (Variation ID: 1336085). An algorithm developed to predict the effect of missense changes on protein structure and function (PolyPhen-2) suggests that this variant is likely to be tolerated. In summary, the available evidence is currently insufficient to determine the role of this variant in disease. Therefore, it has been classified as a Variant of Uncertain Significance.

Fulgent Genetics
Classification: Uncertain significance for Intellectual developmental disorder, autosomal recessive 13. Last evaluated: 2021-09-03. Review status: criteria provided, single submitter. Criteria: ACMG Guidelines, 2015. Collection method: clinical testing. Allele origin: unknown.

Genetic Services Laboratory, University of Chicago
Classification: Uncertain significance. Last evaluated: 2020-07-30. Review status: criteria provided, single submitter. Criteria: ACMG Guidelines, 2015. Collection method: clinical testing. Allele origin: germline. Affected: no.
Comment: DNA sequence analysis of the TRAPPC9 gene demonstrated a sequence change, c.3511C>T, in exon 22 that results in an amino acid change, p.His1171Tyr. This sequence change does not appear to have been previously described in patients with TRAPPC9-related disorders. It has been described in the gnomAD database with a low population frequency of 0.0008% (dbSNP rs1459705932). The p.His1171Tyr change affects a poorly conserved amino acid residue of the TRAPPC9 protein. The p.His1171Tyr substitution appears to be benign using several in-silico pathogenicity prediction tools (SIFT, Align GVGD, REVEL). Due to these contrasting evidences and the lack of functional studies, the clinical significance of the p.His1171Tyr change remains unknown at this time.

NM_001160372.4(TRAPPC9):c.3217C>T (p.His1073Tyr)

Gene: TRAPPC9 (trafficking protein particle complex subunit 9; minus strand). Cytogenetic location: 8q24.3.
Variant type: single nucleotide variant.
Coding change: c.3217C>T on transcript NM_001160372.4 (MANE Select); coding-DNA position 3217, C replaced by T.
Protein change: p.His1073Tyr; replaces histidine 1073 with tyrosine.
Molecular consequence: missense variant. On other transcripts: non-coding transcript variant (1).
Genome position (GRCh38, 1-based): chr8:139,732,041, G>A on the plus strand (C>T on the coding strand, the complement: TRAPPC9 is on the minus strand). VCF-style: chr8-139732041-G-A. GRCh37 (hg19) VCF-style: chr8-140744284-G-A.
Other names: c.3190C>T, p.His1064Tyr (NM_001321646.2); c.3238C>T, p.His1080Tyr (NM_001374682.1); c.3106C>T, p.His1036Tyr (NM_001374683.1); c.3073C>T, p.His1025Tyr (NM_001374684.1); c.3217C>T, p.His1073Tyr (NM_031466.8); short protein forms H1025Y, H1036Y, H1064Y, H1073Y, H1080Y.
Identifiers: ClinVar variation 1336085 (VCV001336085.12), dbSNP rs1459705932, ClinGen allele CA372732791.